The following is an entry in ClinVar:

NM_001039141.3(TRIOBP):c.5642C>T (p.Ala1881Val)

Genes: TRIOBP (TRIO and F-actin binding protein; plus strand), LOC126863145 (CDK7 strongly-dependent group 2 enhancer GRCh37_chr22:38150829-38152028; plus strand). Cytogenetic location: 22q13.1.
Variant type: single nucleotide variant.
Coding change: c.5642C>T on transcript NM_001039141.3 (MANE Select); coding-DNA position 5642, C replaced by T.
Protein change: p.Ala1881Val; replaces alanine 1881 with valine.
Molecular consequence: missense variant.
Genome position (GRCh38, 1-based): chr22:37,755,614, C>T. VCF-style: chr22-37755614-C-T. GRCh37 (hg19) VCF-style: chr22-38151621-C-T.
Other names: c.5642C>T (NM_001039141.2); c.503C>T, p.Ala168Val (NM_007032.5, NM_138632.2); short protein forms A1881V, A168V.
Identifiers: ClinVar variation 2199800 (VCV002199800.6), dbSNP rs143156359, ClinGen allele CA10224771.
Genomic context (GRCh38, chr22:37,755,614, plus strand): 5'-AGGATGCTGTCTATACCTTGTCGGCCATGACCTCAGGCATCCGGCGGAACTGGATCGAGG[C>T]TCTGAGAAAGACCGTACGTCCAACTTCAGCCCCAGATGTCACCAAGTACGTACTAAGCTG-3'
Protein context (NP_001034230.1, residues 1871-1891): TSGIRRNWIE[Ala1881Val]LRKTVRPTSA

ClinVar aggregate classification (germline): Uncertain significance. Review status: criteria provided, multiple submitters, no conflicts (2 of 4 stars). 4 submissions from 4 submitters: Uncertain significance (4). Last evaluated 2026-08-25.

Conditions:
TRIOBP-related disorder. Also called: TRIOBP-related condition.

Allele frequency attached by ClinVar (database versions not stated): gnomAD 0.00014; TOPMed 0.00014; 1000 Genomes Project 0.00020; 1000 Genomes Project 30x 0.00031; ESP Exome Variant Server 0.00031.
gnomAD v4.1: 285 of 1,614,122 alleles (0.018%); highest among the groups gnomAD compares: Non-Finnish European, 0.023%; no homozygotes.

Submissions (4):

GeneDx
Classification: Uncertain significance. Last evaluated: 2026-08-25. Review status: criteria provided, single submitter. Criteria: GeneDx Variant Classification Process June 2021. Collection method: clinical testing. Allele origin: germline.
Comment: Identified in patients with age-related hearing loss in published literature (PMID: 33229591); In silico analysis supports that this missense variant has a deleterious effect on protein structure/function; This variant is associated with the following publications: (PMID: 33229591)

PreventionGenetics, part of Exact Sciences
Classification: Uncertain significance for TRIOBP-related condition. Last evaluated: 2026-04-25. Review status: criteria provided, single submitter. Criteria: ACMG Guidelines, 2015. Collection method: clinical testing. Allele origin: germline.
Comment: The TRIOBP c.5642C>T variant is predicted to result in the amino acid substitution p.Ala1881Val. This variant was reported in an individual with age-related hearing loss (Table S8, Boucher et al. 2020. PubMed ID: 33229591). This variant is reported in 0.023% of alleles in individuals of European (Non-Finnish) descent in gnomAD. At this time, the clinical significance of this variant is uncertain due to the absence of conclusive functional and genetic evidence.

Blueprint Genetics
Classification: Uncertain significance. Last evaluated: 2023-01-11. Review status: criteria provided, single submitter. Criteria: ACMG Guidelines, 2015. Collection method: clinical testing. Allele origin: germline.

Labcorp Genetics (formerly Invitae), Labcorp
Classification: Uncertain significance. Last evaluated: 2022-10-03. Review status: criteria provided, single submitter. Criteria: Invitae Variant Classification Sherloc (09022015). Collection method: clinical testing. Allele origin: germline.
Comment: This sequence change replaces alanine, which is neutral and non-polar, with valine, which is neutral and non-polar, at codon 1881 of the TRIOBP protein (p.Ala1881Val). This variant is present in population databases (rs143156359, gnomAD 0.02%). This missense change has been observed in individual(s) with deafness (PMID: 33229591). Algorithms developed to predict the effect of missense changes on protein structure and function are either unavailable or do not agree on the potential impact of this missense change (SIFT: "Tolerated"; PolyPhen-2: "Probably Damaging"; Align-GVGD: "Class C0"). In summary, the available evidence is currently insufficient to determine the role of this variant in disease. Therefore, it has been classified as a Variant of Uncertain Significance.

Literature cited by the submitters: PubMed 33229591 (cited by Labcorp Genetics (formerly Invitae), Labcorp).